The following is an entry in ClinVar:

ClinVar aggregate classification (germline): Benign (1 of 4 stars; one submission).

Allele frequency attached by ClinVar (database versions not stated): 1000 Genomes Project 0.00260; 1000 Genomes Project 30x 0.00265; TOPMed 0.00670; gnomAD 0.00678.
gnomAD v4.1: 1,037 of 152,172 alleles (0.68%); highest among the groups gnomAD compares: Middle Eastern, 4.1%; 5 homozygotes.

Submission:

CeGaT Center for Human Genetics Tuebingen
Classification: Benign. Last evaluated: 2023-06-01. Review status: criteria provided, single submitter. Criteria: CeGaT Center For Human Genetics Tuebingen Variant Classification Criteria Version 2. Collection method: clinical testing. Allele origin: germline. Affected: yes. Observed: 3 variant alleles.
Comment: GRIK2: BS1, BS2

NM_021956.5(GRIK2):c.2085+36781A>C

Gene: GRIK2 (glutamate ionotropic receptor kainate type subunit 2; plus strand). Cytogenetic location: 6q16.3.
Variant type: single nucleotide variant.
Coding change: c.2085+36781A>C on transcript NM_021956.5 (MANE Select); 36781 bases into the intron after coding-DNA position 2085, A replaced by C.
Molecular consequence: intron variant.
Genome position (GRCh38, 1-based): chr6:101,965,413, A>C. VCF-style: chr6-101965413-A-C. GRCh37 (hg19) VCF-style: chr6-102413288-A-C.
Other names: c.2085+36781A>C (NM_175768.3, NM_001166247.1).
Identifiers: ClinVar variation 2656795 (VCV002656795.24), dbSNP rs12202065, ClinGen allele CA144679571.